The following is an entry in ClinVar:

NM_182961.4(SYNE1):c.20069C>T (p.Thr6690Met)

Gene: SYNE1 (spectrin repeat containing nuclear envelope protein 1; minus strand). Cytogenetic location: 6q25.2.
Variant type: single nucleotide variant.
Coding change: c.20069C>T on transcript NM_182961.4 (MANE Select); coding-DNA position 20069, C replaced by T.
Protein change: p.Thr6690Met; replaces threonine 6690 with methionine.
Molecular consequence: missense variant.
Genome position (GRCh38, 1-based): chr6:152,236,947, G>A on the plus strand (C>T on the coding strand, the complement: SYNE1 is on the minus strand). VCF-style: chr6-152236947-G-A. GRCh37 (hg19) VCF-style: chr6-152558082-G-A.
Other names: c.20069C>T (NM_182961.2); c.19856C>T, p.Thr6619Met (NM_033071.5); short protein forms T6619M, T6690M.
Identifiers: ClinVar variation 288605 (VCV000288605.14), dbSNP rs143674856, ClinGen allele CA4054497.

ClinVar aggregate classification (germline): Conflicting classifications of pathogenicity. Review status: criteria provided, conflicting classifications (1 of 4 stars). 5 submissions from 5 submitters: Uncertain significance (4); Likely benign (1). Last evaluated 2024-10-16.

Conditions:
Autosomal recessive ataxia, Beauce type. Also called: Spinocerebellar ataxia, autosomal recessive 8; ATAXIA, RECESSIVE, OF BEAUCE; SYNE1 Deficiency; SYNE1-Related Autosomal Recessive Cerebellar Ataxia. Identifiers: Orphanet 88644, MedGen C1853116, MONDO:0012549, OMIM 610743.
Emery-Dreifuss muscular dystrophy 4, autosomal dominant (EDMD4). Also called: EMERY-DREIFUSS MUSCULAR DYSTROPHY 4 WITH VARIABLE FEATURES. Identifiers: Orphanet 261, MedGen C2751807, MONDO:0013071, OMIM 612998.

Allele frequency attached by ClinVar (database versions not stated): ExAC 0.00003; gnomAD exomes 0.00004; gnomAD 0.00005; TOPMed 0.00006; ESP Exome Variant Server 0.00008; 1000 Genomes Project 30x 0.00016; 1000 Genomes Project 0.00020.
gnomAD v4.1: 42 of 1,613,716 alleles (0.0026%); highest among the groups gnomAD compares: East Asian, 0.036%; 1 homozygote.

Submissions (5):

Labcorp Genetics (formerly Invitae), Labcorp
Classification: Uncertain significance for Emery-Dreifuss muscular dystrophy 4, autosomal dominant; Autosomal recessive ataxia, Beauce type. Last evaluated: 2024-10-16. Review status: criteria provided, single submitter. Criteria: Invitae Variant Classification Sherloc (09022015). Collection method: clinical testing. Allele origin: germline.
Comment: This sequence change replaces threonine, which is neutral and polar, with methionine, which is neutral and non-polar, at codon 6619 of the SYNE1 protein (p.Thr6619Met). This variant is present in population databases (rs143674856, gnomAD 0.03%). This missense change has been observed in individual(s) with clinical features of autosomal dominant SYNE1-related conditions (PMID: 29077258). ClinVar contains an entry for this variant (Variation ID: 288605). An algorithm developed to predict the effect of missense changes on protein structure and function outputs the following: PolyPhen-2: "Benign". The methionine amino acid residue is found in multiple mammalian species, which suggests that this missense change does not adversely affect protein function. In summary, the available evidence is currently insufficient to determine the role of this variant in disease. Therefore, it has been classified as a Variant of Uncertain Significance.

Revvity Omics, Revvity
Classification: Uncertain significance. Last evaluated: 2021-08-04. Review status: criteria provided, single submitter. Criteria: ACMG Guidelines, 2015. Collection method: clinical testing. Allele origin: germline.

Athena Diagnostics
Classification: Uncertain significance. Last evaluated: 2020-12-22. Review status: criteria provided, single submitter. Criteria: Athena Diagnostics criteria. Collection method: clinical testing. Allele origin: unknown.

GeneDx
Classification: Likely benign. Last evaluated: 2018-04-25. Review status: criteria provided, single submitter. Criteria: GeneDx Variant Classification (06012015). Collection method: clinical testing. Allele origin: germline. Affected: yes.
Comment: This variant is considered likely benign or benign based on one or more of the following criteria: it is a conservative change, it occurs at a poorly conserved position in the protein, it is predicted to be benign by multiple in silico algorithms, and/or has population frequency not consistent with disease.

Eurofins Ntd Llc (ga)
Classification: Uncertain significance. Last evaluated: 2016-06-14. Review status: criteria provided, single submitter. Criteria: EGL Classification Definitions 2015. Collection method: clinical testing. Allele origin: germline. Observed: 1 variant allele, 1 heterozygote.

Literature cited by the submitters: PubMed 29077258 (cited by Labcorp Genetics (formerly Invitae), Labcorp and Athena Diagnostics).